The following is an entry in ClinVar:

NM_130466.4(UBE3B):c.2990G>C (p.Arg997Pro)

Gene: UBE3B (ubiquitin protein ligase E3B; plus strand). Cytogenetic location: 12q24.11.
Variant type: single nucleotide variant.
Coding change: c.2990G>C on transcript NM_130466.4 (MANE Select); coding-DNA position 2990, G replaced by C.
Protein change: p.Arg997Pro; replaces arginine 997 with proline.
Molecular consequence: missense variant.
Genome position (GRCh38, 1-based): chr12:109,533,533, G>C. VCF-style: chr12-109533533-G-C. GRCh37 (hg19) VCF-style: chr12-109971338-G-C.
Other names: c.2990G>C, p.Arg997Pro (NM_183415.3); short protein forms R997P.
Identifiers: ClinVar variation 208729 (VCV000208729.9), dbSNP rs539407162, ClinGen allele CA204776.
Genomic context (GRCh38, chr12:109,533,533, plus strand): 5'-CCAGCTGCTCCAGACCCCCGCTCCTGGGATTCGCCTACCTCAAGCCTCCATTCTCCATCC[G>C]CTGCGTGGAGGTGTCGGACGATCAGGTACCCCCACGGGGTGGGTGGGGAAGAGCCTTGAC-3'
Protein context (NP_569733.2, residues 987-1007): FAYLKPPFSI[Arg997Pro]CVEVSDDQDT

ClinVar aggregate classification (germline): Pathogenic/Likely pathogenic. Review status: criteria provided, multiple submitters, no conflicts (2 of 4 stars). 4 submissions from 4 submitters: Pathogenic (2); Likely pathogenic (1). 1 of the submissions does not count toward it. Last evaluated 2025-10-31.

Conditions:
Oculocerebrofacial syndrome, Kaufman type. Also called: Blepharophimosis-ptosis-intellectual disability syndrome. Identifiers: Orphanet 2707, MedGen C1855663, MONDO:0009485, OMIM 244450.
Inborn genetic diseases. Identifiers: MedGen C0950123, MeSH D030342.

Allele frequency attached by ClinVar (database versions not stated): TOPMed 0.00001; gnomAD exomes below 0.00001.
gnomAD v4.1: 8 of 1,613,792 alleles (0.0005%); highest among the groups gnomAD compares: Non-Finnish European, 0.00068%; no homozygotes.

Submissions (4):

Clinical Genomics Laboratory, Washington University in St. Louis
Classification: Pathogenic for Oculocerebrofacial syndrome, Kaufman type. Last evaluated: 2025-10-31. Review status: criteria provided, single submitter. Criteria: ACMG Guidelines, 2015. Collection method: clinical testing. Allele origin: germline. Affected: yes.
Comment: The UBE3B c.2990G>C (p.Arg997Pro) variant has been reported in two individuals affected with Kaufman oculocerebrofacial syndrome. Of those individuals, one was compound heterozygous for the variant with another pathogenic variant confirmed in trans, and the second individual was homozygous for this variant (Basel-Vanagaite L et al., PMID: 24615390). This variant is only observed on 8/1,613,792 alleles in the general population (gnomAD v4.1.0), indicating it is not a common variant. This variant resides within the HECT domain of UBE3B (amino acids 702-1068), a critical functional domain (Flex E et al., PMID: 23687348). Computational predictors indicate that the variant is damaging, evidence that correlates with impact on UBE3B function. This variant has been reported in the ClinVar database as a germline pathogenic and likely pathogenic variant, each by one submitter. Based on available information and the ACMG/AMP guidelines for variant interpretation (Richards S et al., PMID: 25741868), this variant is classified as pathogenic.The UBE3B c.2125del (p.Val709Serfs*4) variant, to our knowledge, has not been reported in the medical literature. This variant causes a frameshift by deleting a single nucleotide, leading to a premature termination codon that is predicted to lead to nonsense mediated decay. This variant is absent from the general population (gnomAD v4.1.0), indicating it is not a common variant. Based on available information and the ACMG/AMP guidelines for variant interpretation (Richards S et al., PMID: 25741868), this variant is classified as pathogenic.

Ambry Genetics
Classification: Likely pathogenic for Inborn genetic diseases. Last evaluated: 2025-10-20. Review status: criteria provided, single submitter. Criteria: Ambry Variant Classification Scheme 2023. Collection method: clinical testing. Allele origin: germline.
Comment: The p.R997P variant (also known as c.2990G>C), located in coding exon 25 of the UBE3B gene, results from a G to C substitution at nucleotide position 2990. The arginine at codon 997 is replaced by proline, an amino acid with dissimilar properties. This variant has been identified in the homozygous state and/or in conjunction with other UBE3B variant(s) in individual(s) with features consistent with Kaufman oculocerebrofacial syndrome (Basel-Vanagaite L et al. Hum Genet, 2014 Jul;133:939-49). In an assay testing UBE3B function, this variant showed a functionally abnormal result (Ambrozkiewicz MC et al. Mol Psychiatry, 2021 Jun;26:1980-1995). The p.R997 amino acid is conserved throughout vertebrates. In addition, this alteration is predicted to be deleterious by in silico analysis. Based on the majority of available evidence to date, this variant is likely to be pathogenic.

Institute of Human Genetics Munich, TUM University Hospital
Classification: Pathogenic for Oculocerebrofacial syndrome, Kaufman type. Last evaluated: 2017-11-08. Review status: criteria provided, single submitter. Criteria: Classification criteria August 2017. Collection method: clinical testing. Allele origin: maternal. Inheritance: Autosomal recessive inheritance. Affected: yes. Observed: 2 compound heterozygotes.

OMIM
Classification: Pathogenic for KAUFMAN OCULOCEREBROFACIAL SYNDROME. Last evaluated: 2022-06-03. Review status: no assertion criteria provided. Collection method: literature only. Allele origin: germline. Not counted in ClinVar's aggregate classification.

Literature cited by the submitters: PubMed 24615390 (cited by Ambry Genetics and OMIM); PubMed 32249816 (cited by Ambry Genetics).